The following is an entry in ClinVar:

NM_001655.5(ARCN1):c.929A>G (p.Tyr310Cys)

Gene: ARCN1 (archain 1 coat protein complex I subunit delta; plus strand). Cytogenetic location: 11q23.3.
Variant type: single nucleotide variant.
Coding change: c.929A>G on transcript NM_001655.5 (MANE Select); coding-DNA position 929, A replaced by G.
Protein change: p.Tyr310Cys; replaces tyrosine 310 with cysteine.
Molecular consequence: missense variant.
Genome position (GRCh38, 1-based): chr11:118,590,451, A>G. VCF-style: chr11-118590451-A-G. GRCh37 (hg19) VCF-style: chr11-118461166-A-G.
Other names: c.665A>G, p.Tyr222Cys (NM_001142281.2); short protein forms Y222C, Y310C.
Identifiers: ClinVar variation 1691043 (VCV001691043.4), dbSNP rs1392398527, ClinGen allele CA382811308.

ClinVar aggregate classification (germline): Uncertain significance. Review status: criteria provided, multiple submitters, no conflicts (2 of 4 stars). 2 submissions from 2 submitters: Uncertain significance (2). Last evaluated 2024-10-21.

Allele frequency attached by ClinVar (database versions not stated): TOPMed below 0.00001; gnomAD 0.00001; gnomAD exomes 0.00001.
gnomAD v4.1: 14 of 1,614,118 alleles (0.00087%); highest among the groups gnomAD compares: Middle Eastern, 0.016%; no homozygotes.

Submissions (2):

Labcorp Genetics (formerly Invitae), Labcorp
Classification: Uncertain significance. Last evaluated: 2024-10-21. Review status: criteria provided, single submitter. Criteria: Invitae Variant Classification Sherloc (09022015). Collection method: clinical testing. Allele origin: germline.
Comment: This sequence change replaces tyrosine, which is neutral and polar, with cysteine, which is neutral and slightly polar, at codon 310 of the ARCN1 protein (p.Tyr310Cys). This variant is not present in population databases (gnomAD no frequency). This variant has not been reported in the literature in individuals affected with ARCN1-related conditions. ClinVar contains an entry for this variant (Variation ID: 1691043). An algorithm developed to predict the effect of missense changes on protein structure and function (PolyPhen-2) suggests that this variant is likely to be tolerated. In summary, the available evidence is currently insufficient to determine the role of this variant in disease. Therefore, it has been classified as a Variant of Uncertain Significance.

Laboratorio de Genetica e Diagnostico Molecular, Hospital Israelita Albert Einstein
Classification: Uncertain significance. Last evaluated: 2021-09-04. Review status: criteria provided, single submitter. Criteria: ACMG Guidelines, 2015. Collection method: clinical testing. Allele origin: germline. Affected: yes.
Comment: ACMG classification criteria: PM2, BP4